The following is an entry in ClinVar:

NM_000059.4(BRCA2):c.5686G>C (p.Ala1896Pro)

Gene: BRCA2 (BRCA2 DNA repair associated; plus strand). Cytogenetic location: 13q13.1.
Variant type: single nucleotide variant.
Coding change: c.5686G>C on transcript NM_000059.4 (MANE Select); coding-DNA position 5686, G replaced by C.
Protein change: p.Ala1896Pro; replaces alanine 1896 with proline.
Molecular consequence: missense variant.
Genome position (GRCh38, 1-based): chr13:32,340,041, G>C. VCF-style: chr13-32340041-G-C. GRCh37 (hg19) VCF-style: chr13-32914178-G-C.
Other names: short protein forms A1896P.
Identifiers: ClinVar variation 126073 (VCV000126073.15), dbSNP rs80358795, ClinGen allele CA022980.

ClinVar aggregate classification (germline): Conflicting classifications of pathogenicity. Review status: criteria provided, conflicting classifications (1 of 4 stars). 5 submissions from 5 submitters: Uncertain significance (3); Likely benign (1). 1 of the submissions does not count toward it. Last evaluated 2024-08-28.

Conditions:
Hereditary breast ovarian cancer syndrome. Also called: Hereditary breast and ovarian cancer syndrome; Hereditary breast and ovarian cancer syndrome (HBOC); Breast and ovarian cancer; BRCA1- and BRCA2-Associated Hereditary Breast and Ovarian Cancer; Hereditary breast and ovarian cancer; Hereditary breast and/or ovarian cancer syndrome. Identifiers: Orphanet 145, MedGen C0677776, MeSH D061325, MONDO:0003582. Disease mechanism: loss of function.
Breast-ovarian cancer, familial, susceptibility to, 2 (BROVCA2). Also called: BRCA2 Hereditary Breast and Ovarian Cancer. Identifiers: Orphanet 145, MedGen C2675520, MONDO:0012933, OMIM 612555. Disease mechanism: loss of function.
Hereditary cancer-predisposing syndrome. Also called: Tumor predisposition; Hereditary neoplastic syndrome; Neoplastic Syndromes, Hereditary; Hereditary Cancer Syndrome. Identifiers: Orphanet 140162, MedGen C0027672, MeSH D009386, MONDO:0015356.

Submissions (5):

Labcorp Genetics (formerly Invitae), Labcorp
Classification: Uncertain significance for Hereditary breast ovarian cancer syndrome. Last evaluated: 2024-08-28. Review status: criteria provided, single submitter. Criteria: Invitae Variant Classification Sherloc (09022015). Collection method: clinical testing. Allele origin: germline.
Comment: This sequence change replaces alanine, which is neutral and non-polar, with proline, which is neutral and non-polar, at codon 1896 of the BRCA2 protein (p.Ala1896Pro). This variant is not present in population databases (gnomAD no frequency). This missense change has been observed in individual(s) with clinical features of BRCA2-related conditions (PMID: 21520333). ClinVar contains an entry for this variant (Variation ID: 126073). Invitae Evidence Modeling of protein sequence and biophysical properties (such as structural, functional, and spatial information, amino acid conservation, physicochemical variation, residue mobility, and thermodynamic stability) indicates that this missense variant is not expected to disrupt BRCA2 protein function with a negative predictive value of 95%. In summary, the available evidence is currently insufficient to determine the role of this variant in disease. Therefore, it has been classified as a Variant of Uncertain Significance.

University of Washington Department of Laboratory Medicine, University of Washington
Classification: Likely benign for Hereditary cancer-predisposing syndrome. Last evaluated: 2023-03-23. Review status: criteria provided, single submitter. Criteria: Dines et al. (Genet Med. 2020). Collection method: curation. Allele origin: germline.
Comment: Missense variant in a coldspot region where missense variants are very unlikely to be pathogenic (PMID:31911673).

BRCA2 exon 11 coldspot. Reclassification based on statistical prior probability.

Ambry Genetics
Classification: Uncertain significance for Hereditary cancer-predisposing syndrome. Last evaluated: 2021-03-26. Review status: criteria provided, single submitter. Criteria: Ambry Variant Classification Scheme 2023. Collection method: clinical testing. Allele origin: germline.
Comment: The p.A1896P variant (also known as c.5686G>C), located in coding exon 10 of the BRCA2 gene, results from a G to C substitution at nucleotide position 5686. The alanine at codon 1896 is replaced by proline, an amino acid with highly similar properties. This amino acid position is not well conserved in available vertebrate species. In addition, this alteration is predicted to be tolerated by in silico analysis. Since supporting evidence is limited at this time, the clinical significance of this alteration remains unclear.

Blueprint Genetics
Classification: Uncertain significance. Last evaluated: 2020-06-26. Review status: criteria provided, single submitter. Criteria: ACMG Guidelines, 2015. Collection method: clinical testing. Allele origin: germline.

Breast Cancer Information Core (BIC) (BRCA2)
Classification: Uncertain significance for Breast-ovarian cancer, familial 2. Last evaluated: 2001-10-29. Review status: no assertion criteria provided. Collection method: clinical testing. Allele origin: germline. Affected: yes. Observed: 1 variant allele. Not counted in ClinVar's aggregate classification.

Literature cited by the submitters: PubMed 21520333 (cited by Labcorp Genetics (formerly Invitae), Labcorp).